The following is an entry in ClinVar:

NM_000441.2(SLC26A4):c.1971C>A (p.Ser657Arg)

Gene: SLC26A4 (solute carrier family 26 member 4; plus strand). Cytogenetic location: 7q22.3.
Variant type: single nucleotide variant.
Coding change: c.1971C>A on transcript NM_000441.2 (MANE Select); coding-DNA position 1971, C replaced by A.
Protein change: p.Ser657Arg; replaces serine 657 with arginine.
Molecular consequence: missense variant.
Genome position (GRCh38, 1-based): chr7:107,701,994, C>A. VCF-style: chr7-107701994-C-A. GRCh37 (hg19) VCF-style: chr7-107342439-C-A.
Other names: short protein forms S657R.
Identifiers: ClinVar variation 1311263 (VCV001311263.3), dbSNP rs1336642579, ClinGen allele CA368843742.
Genomic context (GRCh38, chr7:107,701,994, plus strand): 5'-AGTGGATTGGAACTCTGAGCTTCCAGTCAAAGTGAACGTTCCCAAAGTGCCAATCCATAG[C>A]CTTGTGCTTGACTGTGGAGCTATATCTTTCCTGGACGTTGTTGGAGTGAGATCACTGCGG-3'
Protein context (NP_000432.1, residues 647-667): KVNVPKVPIH[Ser657Arg]LVLDCGAISF

ClinVar aggregate classification (germline): Likely pathogenic (1 of 4 stars; one submission).

Submission:

GeneDx
Classification: Likely pathogenic. Last evaluated: 2025-10-02. Review status: criteria provided, single submitter. Criteria: GeneDx Variant Classification Process June 2021. Collection method: clinical testing. Allele origin: germline. Affected: yes.
Comment: Not observed in large population cohorts (gnomAD); In silico analysis supports that this missense variant has a deleterious effect on protein structure/function; Has not been previously published as pathogenic or benign to our knowledge